The following is an entry in ClinVar:

ClinVar aggregate classification (germline): Uncertain significance. Review status: criteria provided, multiple submitters, no conflicts (2 of 4 stars). 2 submissions from 2 submitters: Uncertain significance (2). Last evaluated 2024-07-18.

Conditions:
Hereditary cancer-predisposing syndrome. Also called: Hereditary Cancer Syndrome; Neoplastic Syndromes, Hereditary; Hereditary neoplastic syndrome; Tumor predisposition. Identifiers: Orphanet 140162, MedGen C0027672, MeSH D009386, MONDO:0015356.
Microcephaly, normal intelligence and immunodeficiency (NBS). Also called: Nijmegen breakage syndrome; Microcephaly with normal intelligence immunodeficiency and lymphoreticular malignancies; Nonsyndromal microcephaly autosomal recessive with normal intelligence; Seemanova syndrome 2; Immunodeficiency, microcephaly with normal intelligence; Ataxia telangiectasia variant V1. Identifiers: Orphanet 647, MedGen C0398791, MONDO:0009623, OMIM 251260.

Allele frequency attached by ClinVar (database versions not stated): gnomAD exomes below 0.00001; ExAC 0.00001.
gnomAD v4.1: 1 of 1,613,692 alleles (0.000062%); highest among the groups gnomAD compares: South Asian, 0.0011%; no homozygotes.

Submissions (2):

Ambry Genetics
Classification: Uncertain significance for Hereditary cancer-predisposing syndrome. Last evaluated: 2024-07-18. Review status: criteria provided, single submitter. Criteria: Ambry Variant Classification Scheme 2023. Collection method: clinical testing. Allele origin: germline.
Comment: The p.V417L variant (also known as c.1249G>T), located in coding exon 10 of the NBN gene, results from a G to T substitution at nucleotide position 1249. The valine at codon 417 is replaced by leucine, an amino acid with highly similar properties. This amino acid position is not well conserved in available vertebrate species. In addition, this alteration is predicted to be tolerated by in silico analysis. Since supporting evidence is limited at this time, the clinical significance of this alteration remains unclear.

Labcorp Genetics (formerly Invitae), Labcorp
Classification: Uncertain significance for Microcephaly, normal intelligence and immunodeficiency. Last evaluated: 2022-12-06. Review status: criteria provided, single submitter. Criteria: Invitae Variant Classification Sherloc (09022015). Collection method: clinical testing. Allele origin: germline.
Comment: Algorithms developed to predict the effect of missense changes on protein structure and function (SIFT, PolyPhen-2, Align-GVGD) all suggest that this variant is likely to be tolerated. ClinVar contains an entry for this variant (Variation ID: 818708). This variant has not been reported in the literature in individuals affected with NBN-related conditions. This variant is not present in population databases (gnomAD no frequency). This sequence change replaces valine, which is neutral and non-polar, with leucine, which is neutral and non-polar, at codon 417 of the NBN protein (p.Val417Leu). In summary, the available evidence is currently insufficient to determine the role of this variant in disease. Therefore, it has been classified as a Variant of Uncertain Significance.

NM_002485.5(NBN):c.1249G>T (p.Val417Leu)

Gene: NBN (nibrin; minus strand). Cytogenetic location: 8q21.3.
Variant type: single nucleotide variant.
Coding change: c.1249G>T on transcript NM_002485.5 (MANE Select); coding-DNA position 1249, G replaced by T.
Protein change: p.Val417Leu; replaces valine 417 with leucine.
Molecular consequence: missense variant.
Genome position (GRCh38, 1-based): chr8:89,955,431, C>A on the plus strand (G>T on the coding strand, the complement: NBN is on the minus strand). VCF-style: chr8-89955431-C-A. GRCh37 (hg19) VCF-style: chr8-90967659-C-A.
Other names: c.1003G>T, p.Val335Leu (NM_001024688.3); short protein forms V417L, V335L.
Identifiers: ClinVar variation 818708 (VCV000818708.8), dbSNP rs768087330, ClinGen allele CA4802773.